The following is an entry in ClinVar:

NM_001042492.3(NF1):c.6819+3del

Gene: NF1 (neurofibromin 1; plus strand). Cytogenetic location: 17q11.2.
Variant type: Deletion.
Coding change: c.6819+3del on transcript NM_001042492.3 (MANE Select); 3 bases into the intron after coding-DNA position 6819, one base deleted (A; older notation c.6819+3delA).
Molecular consequence: intron variant.
Genome position (GRCh38, 1-based): chr17:31,338,142, A deleted. VCF-style (leftmost placement, unchanged base first): chr17-31338141-TA-T. GRCh37 (hg19) VCF-style: chr17-29665159-TA-T.
Other names: c.6756+3del (NM_000267.4).
Identifiers: ClinVar variation 998177 (VCV000998177.5), dbSNP rs2069728377, ClinGen allele CA2255602887.

ClinVar aggregate classification (germline): Conflicting classifications of pathogenicity. Review status: criteria provided, conflicting classifications (1 of 4 stars). 3 submissions from 3 submitters: Likely pathogenic (2); Uncertain significance (1). Last evaluated 2023-10-28.

Conditions:
Neurofibromatosis-Noonan syndrome (NFNS). Also called: NEUROFIBROMATOSIS WITH NOONAN PHENOTYPE. Identifiers: Orphanet 638, MedGen C2931482, MONDO:0011035, OMIM 601321. Disease mechanism: loss of function.
Café-au-lait macules with pulmonary stenosis (WTSN). Also called: PULMONIC STENOSIS WITH CAFE-AU-LAIT SPOTS. Identifiers: MedGen C0553586, MONDO:0008672, OMIM 193520.
Neurofibromatosis, type 1 (NF1). Also called: Neurofibromatosis, type I; VON RECKLINGHAUSEN DISEASE; NEUROFIBROMATOSIS, TYPE I, SOMATIC; Peripheral type neurofibromatosis. Identifiers: Orphanet 636, MedGen C0027831, MONDO:0018975, OMIM 162200. Disease mechanism: loss of function.
Neurofibromatosis, familial spinal (FSNF). Identifiers: Orphanet 636, MedGen C1834235, MONDO:0008078, OMIM 162210. Disease mechanism: loss of function.
Juvenile myelomonocytic leukemia (JMML). Also called: LEUKEMIA, JUVENILE MYELOMONOCYTIC, SOMATIC. Identifiers: Orphanet 86834, MedGen C0349639, MONDO:0011908, OMIM 607785, HP:0012209.
Hereditary cancer-predisposing syndrome. Also called: Neoplastic Syndromes, Hereditary; Hereditary neoplastic syndrome; Hereditary Cancer Syndrome; Tumor predisposition. Identifiers: Orphanet 140162, MedGen C0027672, MeSH D009386, MONDO:0015356.

Submissions (3):

Labcorp Genetics (formerly Invitae), Labcorp
Classification: Uncertain significance for Neurofibromatosis, type 1. Last evaluated: 2023-10-28. Review status: criteria provided, single submitter. Criteria: Invitae Variant Classification Sherloc (09022015). Collection method: clinical testing. Allele origin: germline.
Comment: This sequence change falls in intron 44 of the NF1 gene. It does not directly change the encoded amino acid sequence of the NF1 protein. It affects a nucleotide within the consensus splice site. This variant is not present in population databases (gnomAD no frequency). This variant has been observed in individual(s) with rhabdomyosarcoma (PMID: 33840814). ClinVar contains an entry for this variant (Variation ID: 998177). Variants that disrupt the consensus splice site are a relatively common cause of aberrant splicing (PMID: 17576681, 9536098). Algorithms developed to predict the effect of sequence changes on RNA splicing suggest that this variant may disrupt the consensus splice site. In summary, the available evidence is currently insufficient to determine the role of this variant in disease. Therefore, it has been classified as a Variant of Uncertain Significance.

Fulgent Genetics
Classification: Likely pathogenic for Neurofibromatosis, type 1; Neurofibromatosis, familial spinal; Café-au-lait macules with pulmonary stenosis; Neurofibromatosis-Noonan syndrome; Juvenile myelomonocytic leukemia. Last evaluated: 2021-12-06. Review status: criteria provided, single submitter. Criteria: ACMG Guidelines, 2015. Collection method: clinical testing. Allele origin: unknown.

Department of Pediatric Oncology,  Hematology and Clinical Immunology, University Clinics Duesseldorf
Classification: Likely pathogenic for Hereditary cancer-predisposing syndrome. Review status: criteria provided, single submitter. Criteria: ACMG Guidelines, 2015. Collection method: research. Allele origin: de novo. Affected: yes. Observed: 1 heterozygote.

Literature cited by the submitters: PubMed 33840814 (cited by Labcorp Genetics (formerly Invitae), Labcorp); PubMed 17576681 (cited by Labcorp Genetics (formerly Invitae), Labcorp); PubMed 9536098 (cited by Labcorp Genetics (formerly Invitae), Labcorp).